The following is an entry in ClinVar:

ClinVar aggregate classification (germline): Pathogenic (1 of 4 stars; one submission).

Submission:

GeneDx
Classification: Pathogenic. Last evaluated: 2014-08-05. Review status: criteria provided, single submitter. Criteria: GeneDx Variant Classification (06012015). Collection method: clinical testing. Allele origin: germline. Affected: yes.
Comment: p.His574Gln (CAC>CAA): c.1722 C>A in exon 14 of the BRAF gene (NM_004333.4). It has not been published as a mutation, nor has it been reported as a benign polymorphism to our knowledge. The H574Q missense mutation was not observed in approximately 6,500 individuals of European and African American ancestry in the NHLBI Exome Sequencing Project, indicating it is not a common benign variant in these populations. The H574Q mutation is a semi-conservative amino acid substitution, which may impact secondary protein structure as these residues differ in some properties. This substitution occurs at a position that is conserved across species. In silico analysis predicts this variant is probably damaging to the protein structure/function. Missense mutations in nearby residues (D565G, D565E, N580D, N581D) have been reported in association with BRAF-related disorders, supporting the functional importance of this region of the protein. Therefore, H574Q is interpreted as a disease-causing mutation. The variant is found in NOONAN panel(s).

NM_004333.6(BRAF):c.1722C>A (p.His574Gln)

Gene: BRAF (B-Raf proto-oncogene, serine/threonine kinase; minus strand). Cytogenetic location: 7q34.
Variant type: single nucleotide variant.
Coding change: c.1722C>A on transcript NM_004333.6 (MANE Select); coding-DNA position 1722, C replaced by A.
Protein change: p.His574Gln; replaces histidine 574 with glutamine.
Molecular consequence: missense variant.
Genome position (GRCh38, 1-based): chr7:140,754,206, G>T on the plus strand (C>A on the coding strand, the complement: BRAF is on the minus strand). VCF-style: chr7-140754206-G-T. GRCh37 (hg19) VCF-style: chr7-140454006-G-T.
Other names: p.H574Q:CAC>CAA; c.1722C>A, p.His574Gln (NM_001354609.2, NM_001378468.1, NM_001378474.1); c.1842C>A, p.His614Gln (NM_001374244.1, NM_001374258.1); c.1731C>A, p.His577Gln (NM_001378467.1); c.1656C>A, p.His552Gln (NM_001378469.1); c.1620C>A, p.His540Gln (NM_001378470.1); c.1611C>A, p.His537Gln (NM_001378471.1); c.1566C>A, p.His522Gln (NM_001378472.1, NM_001378473.1); and 1 more; short protein forms H574Q, H486Q, H522Q, H537Q, H540Q, H552Q, H577Q, H614Q.
Identifiers: ClinVar variation 180788 (VCV000180788.2), dbSNP rs397507481, ClinGen allele CA295914.
Genomic context (GRCh38, chr7:140,754,206, plus strand): 5'-GGATGTTTTCAAACTTCGCAGACAAATTTCAGGAAGGATACTATTACTCTTGAGGTCTCT[G>T]TGGATGATTGACTTGGCGTGTAAGTAACTGAAAAACAAAACATCATTTTAACCTGAGTAG-3'
Protein context (NP_004324.2, residues 564-584): MDYLHAKSII[His574Gln]RDLKSNNIFL